The following is an entry in ClinVar:

NM_001105206.3(LAMA4):c.2368G>A (p.Glu790Lys)

Gene: LAMA4 (laminin subunit alpha 4; minus strand). Cytogenetic location: 6q21.
Variant type: single nucleotide variant.
Coding change: c.2368G>A on transcript NM_001105206.3 (MANE Select); coding-DNA position 2368, G replaced by A.
Protein change: p.Glu790Lys; replaces glutamic acid 790 with lysine.
Molecular consequence: missense variant.
Genome position (GRCh38, 1-based): chr6:112,144,919, C>T on the plus strand (G>A on the coding strand, the complement: LAMA4 is on the minus strand). VCF-style: chr6-112144919-C-T. GRCh37 (hg19) VCF-style: chr6-112466121-C-T.
Other names: c.2347G>A, p.Glu783Lys (NM_001105207.3, NM_002290.5); short protein forms E790K, E783K.
Identifiers: ClinVar variation 1789939 (VCV001789939.5), dbSNP rs782170392, ClinGen allele CA3965491.
Genomic context (GRCh38, chr6:112,144,919, plus strand): 5'-TGCTTGCAGGTCGCTTCTGCTCAACCGTACGAAGCTGATCCAGGAGCTGAGGGACAACCT[C>T]GGTCAGATTTCTTACTGCAGTTAATAAAAATTAATCATTTAAGAAAATAACTCAATATTA-3'
Protein context (NP_001098676.2, residues 780-800): SARDAVRNLT[Glu790Lys]VVPQLLDQLR

ClinVar aggregate classification (germline): Uncertain significance. Review status: criteria provided, multiple submitters, no conflicts (2 of 4 stars). 2 submissions from 2 submitters: Uncertain significance (2). Last evaluated 2025-09-14.

Conditions:
Cardiovascular phenotype. Identifiers: MedGen CN230736.
Dilated cardiomyopathy 1JJ (CMD1JJ). Identifiers: Orphanet 154, MedGen C3808935, MONDO:0014095, OMIM 615235.

Allele frequency attached by ClinVar (database versions not stated): TOPMed 0.00001; gnomAD exomes 0.00002; ExAC 0.00001.
gnomAD v4.1: 30 of 1,613,704 alleles (0.0019%); highest among the groups gnomAD compares: Non-Finnish European, 0.0025%; no homozygotes.

Submissions (2):

Labcorp Genetics (formerly Invitae), Labcorp
Classification: Uncertain significance for Dilated cardiomyopathy 1JJ. Last evaluated: 2025-09-14. Review status: criteria provided, single submitter. Criteria: Invitae Variant Classification Sherloc (09022015). Collection method: clinical testing. Allele origin: germline.
Comment: This sequence change replaces glutamic acid, which is acidic and polar, with lysine, which is basic and polar, at codon 783 of the LAMA4 protein (p.Glu783Lys). This variant is present in population databases (rs782170392, gnomAD 0.005%). This variant has not been reported in the literature in individuals affected with LAMA4-related conditions. ClinVar contains an entry for this variant (Variation ID: 1789939). Invitae Evidence Modeling of protein sequence and biophysical properties (such as structural, functional, and spatial information, amino acid conservation, physicochemical variation, residue mobility, and thermodynamic stability) indicates that this missense variant is not expected to disrupt LAMA4 protein function with a negative predictive value of 80%. In summary, the available evidence is currently insufficient to determine the role of this variant in disease. Therefore, it has been classified as a Variant of Uncertain Significance.

Ambry Genetics
Classification: Uncertain significance for Cardiovascular phenotype. Last evaluated: 2020-03-18. Review status: criteria provided, single submitter. Criteria: Ambry Variant Classification Scheme 2023. Collection method: clinical testing. Allele origin: germline.
Comment: The p.E783K variant (also known as c.2347G>A), located in coding exon 18 of the LAMA4 gene, results from a G to A substitution at nucleotide position 2347. The glutamic acid at codon 783 is replaced by lysine, an amino acid with similar properties. This amino acid position is well conserved in available vertebrate species. In addition, this alteration is predicted to be tolerated by in silico analysis. Since supporting evidence is limited at this time, the clinical significance of this alteration remains unclear.